The following is an entry in ClinVar:

NM_001009944.3(PKD1):c.7679G>T (p.Gly2560Val)

Gene: PKD1 (polycystin 1, transient receptor potential channel interacting; minus strand). Cytogenetic location: 16p13.3.
Variant type: single nucleotide variant.
Coding change: c.7679G>T on transcript NM_001009944.3 (MANE Select); coding-DNA position 7679, G replaced by T.
Protein change: p.Gly2560Val; replaces glycine 2560 with valine.
Molecular consequence: missense variant.
Genome position (GRCh38, 1-based): chr16:2,106,115, C>A on the plus strand (G>T on the coding strand, the complement: PKD1 is on the minus strand). VCF-style: chr16-2106115-C-A. GRCh37 (hg19) VCF-style: chr16-2156116-C-A.
Other names: c.7679G>T, p.Gly2560Val (NM_000296.4); short protein forms G2560V.
Identifiers: ClinVar variation 4077068 (VCV004077068.1).

ClinVar aggregate classification (germline): Uncertain significance (1 of 4 stars; one submission).

Conditions:
Polycystic kidney disease, adult type (PKD1). Also called: POLYCYSTIC KIDNEY DISEASE, ADULT, TYPE I; Polycystic Kidney Disease 1, Autosomal Dominant; Polycystic kidney disease 1; Polycystic kidney disease 1, severe; POLYCYSTIC KIDNEY DISEASE 1 WITH OR WITHOUT POLYCYSTIC LIVER DISEASE; Polycystic Kidney, Autosomal Dominant. Identifiers: MedGen C3149841, MONDO:0008263, OMIM 173900.

Submission:

MVZ Medizinische Genetik Mainz
Classification: Uncertain significance for Polycystic kidney disease, adult type. Last evaluated: 2025-08-07. Review status: criteria provided, single submitter. Criteria: UK Practice Guidelines For Variant Classification V4 01 2020. Collection method: clinical testing. Allele origin: germline. Inheritance: Autosomal dominant inheritance. Affected: yes. Observed: 1 variant allele.
Comment: ACMG Criteria: PM2_SUP,PP3,PP4